The following is an entry in ClinVar:

ClinVar aggregate classification (germline): Uncertain significance. Review status: criteria provided, multiple submitters, no conflicts (2 of 4 stars). 2 submissions from 2 submitters: Uncertain significance (2). Last evaluated 2024-12-24.

Conditions:
Agammaglobulinemia 2, autosomal recessive (AGM2). Also called: AGAMMAGLOBULINEMIA, AUTOSOMAL RECESSIVE, DUE TO IGLL1 DEFECT. Identifiers: MedGen C3150750, MONDO:0013287, OMIM 613500.

Allele frequency attached by ClinVar (database versions not stated): gnomAD 0.00002; TOPMed 0.00002; ExAC 0.00009.
gnomAD v4.1: 41 of 1,564,344 alleles (0.0026%); highest among the groups gnomAD compares: South Asian, 0.0047%; no homozygotes.

Submissions (2):

Labcorp Genetics (formerly Invitae), Labcorp
Classification: Uncertain significance for Agammaglobulinemia 2, autosomal recessive. Last evaluated: 2024-12-24. Review status: criteria provided, single submitter. Criteria: Invitae Variant Classification Sherloc (09022015). Collection method: clinical testing. Allele origin: germline.
Comment: This sequence change replaces arginine, which is basic and polar, with histidine, which is basic and polar, at codon 23 of the IGLL1 protein (p.Arg23His). The frequency data for this variant in the population databases is considered unreliable, as metrics indicate poor data quality at this position in the gnomAD database. This variant has not been reported in the literature in individuals affected with IGLL1-related conditions. ClinVar contains an entry for this variant (Variation ID: 1912621). An algorithm developed to predict the effect of missense changes on protein structure and function outputs the following: PolyPhen-2: "Benign". The histidine amino acid residue is found in multiple mammalian species, which suggests that this missense change does not adversely affect protein function. In summary, the available evidence is currently insufficient to determine the role of this variant in disease. Therefore, it has been classified as a Variant of Uncertain Significance.

Ambry Genetics
Classification: Uncertain significance. Last evaluated: 2022-12-02. Review status: criteria provided, single submitter. Criteria: Ambry Variant Classification Scheme 2023. Collection method: clinical testing. Allele origin: germline.

NM_020070.4(IGLL1):c.68G>A (p.Arg23His)

Gene: IGLL1 (immunoglobulin lambda like polypeptide 1; minus strand). Cytogenetic location: 22q11.23.
Variant type: single nucleotide variant.
Coding change: c.68G>A on transcript NM_020070.4 (MANE Select); coding-DNA position 68, G replaced by A.
Protein change: p.Arg23His; replaces arginine 23 with histidine.
Molecular consequence: missense variant.
Genome position (GRCh38, 1-based): chr22:23,580,123, C>T on the plus strand (G>A on the coding strand, the complement: IGLL1 is on the minus strand). VCF-style: chr22-23580123-C-T. GRCh37 (hg19) VCF-style: chr22-23922310-C-T.
Other names: c.68G>A, p.Arg23His (NM_001369906.1, NM_152855.3); short protein forms R23H.
Identifiers: ClinVar variation 1912621 (VCV001912621.6), dbSNP rs748163580, ClinGen allele CA10143433.